The following is an entry in ClinVar:

ClinVar aggregate classification (germline): Benign/Likely benign. Review status: criteria provided, multiple submitters, no conflicts (2 of 4 stars). 6 submissions from 6 submitters: Benign (1); Likely benign (5). Last evaluated 2026-04-23.

Conditions:
Inborn genetic diseases. Identifiers: MedGen C0950123, MeSH D030342.

Allele frequency attached by ClinVar (database versions not stated): ESP Exome Variant Server 0.00023; gnomAD 0.00036 and 0.00037; ExAC 0.00039; TOPMed 0.00044; gnomAD exomes 0.00047.
gnomAD v4.1: 1,101 of 1,613,482 alleles (0.068%); highest among the groups gnomAD compares: South Asian, 0.1%; 3 homozygotes.

Submissions (6):

Ambry Genetics
Classification: Likely benign for Inborn genetic diseases. Last evaluated: 2026-04-23. Review status: criteria provided, single submitter. Criteria: Ambry Variant Classification Scheme 2023. Collection method: clinical testing. Allele origin: germline.

Labcorp Genetics (formerly Invitae), Labcorp
Classification: Likely benign. Last evaluated: 2025-11-22. Review status: criteria provided, single submitter. Criteria: Invitae Variant Classification Sherloc (09022015). Collection method: clinical testing. Allele origin: germline.

Blueprint Genetics
Classification: Benign. Last evaluated: 2024-10-29. Review status: criteria provided, single submitter. Criteria: ACMG Guidelines, 2015. Collection method: clinical testing. Allele origin: germline.

CeGaT Center for Human Genetics Tuebingen
Classification: Likely benign. Last evaluated: 2024-03-01. Review status: criteria provided, single submitter. Criteria: CeGaT Center For Human Genetics Tuebingen Variant Classification Criteria Version 2. Collection method: clinical testing. Allele origin: germline. Affected: yes. Observed: 1 variant allele.
Comment: TUBGCP6: BP4

GeneDx
Classification: Likely benign. Last evaluated: 2020-03-12. Review status: criteria provided, single submitter. Criteria: GeneDx Variant Classification Process June 2021. Collection method: clinical testing. Allele origin: germline. Affected: yes.

Breakthrough Genomics
Classification: Likely benign. Review status: criteria provided, single submitter. Criteria: ACMG Guidelines, 2015. Collection method: not provided. Allele origin: germline. Inheritance: Autosomal recessive inheritance. Affected: yes.

NM_020461.4(TUBGCP6):c.4111C>T (p.Pro1371Ser)

Gene: TUBGCP6 (tubulin gamma complex component 6; minus strand). Cytogenetic location: 22q13.33.
Variant type: single nucleotide variant.
Coding change: c.4111C>T on transcript NM_020461.4 (MANE Select); coding-DNA position 4111, C replaced by T.
Protein change: p.Pro1371Ser; replaces proline 1371 with serine.
Molecular consequence: missense variant.
Genome position (GRCh38, 1-based): chr22:50,220,013, G>A on the plus strand (C>T on the coding strand, the complement: TUBGCP6 is on the minus strand). VCF-style: chr22-50220013-G-A. GRCh37 (hg19) VCF-style: chr22-50658442-G-A.
Other names: short protein forms P1371S.
Identifiers: ClinVar variation 967421 (VCV000967421.37), dbSNP rs141419187, ClinGen allele CA10307679.